The following is an entry in ClinVar:

ClinVar aggregate classification (germline): Pathogenic (3 of 4 stars; one submission).

Conditions:
Juvenile retinoschisis (RS1). Also called: X-linked retinoschisis; X-Linked Juvenile Retinoschisis. Identifiers: Orphanet 792, MedGen C3714753, MONDO:0010725, OMIM 312700.

Submission:

ClinGen X-linked Inherited Retinal Disease Variant Curation Expert Panel, ClinGen
Classification: Pathogenic for Juvenile retinoschisis. Last evaluated: 2026-09-26. Review status: reviewed by expert panel. Criteria: ClinGen X LinkedIRD ACMG Specifications RS1 V1.0.0. Collection method: curation. Allele origin: germline. Inheritance: X-linked inheritance.
Comment: The NM_000330.4(RS1):c.52G>A (p.Ala18Thr) variant is a missense variant encoding the substitution of Alanine and Threonine at amino acid 18, located at the end of exon 1. The splicing impact predictor SpliceAI gives the variant a score of 0.31, which is above the ClinGen X-linked IRD VCEP recommended threshold of ≥0.2 and predicts a damaging impact on splicing. Functional studies confirm that the variant triggers either exon 2 or both exons 1 and 2 skipping in all transcripts (PMID: 20809529). While these in silico and experimental findings would normally be counted under the PP3 and PS3_Supporting codes, respectively, in combination, they have been counted as evidence of a loss-of-function effect (PVS1_RNA). This variant is absent from hemizygous individuals in gnomAD v4.1.0 (PM2_Supporting). At least one proband harboring this variant exhibits the following phenotypes, including the appearance of schisis and reduced visual acuity before age 13 years, which together are specific for X-linked retinoschisis (PMID: 20809529, PP4). The variant has been reported to segregate through at least 2 meioses in one family (PP1_moderate; PMID: 20809529). In summary, this variant is classified as pathogenic for X-linked retinoschisis based on the ClinGen X-linked Inherited Retinal Disease Expert Panel Specifications to the ACMG/AMP Variant Interpretation Guidelines for RS1 Version 1.0.0: PVS1_RNA, PM2_Supporting, PP4, and PP1_Moderate.

NM_000330.4(RS1):c.52G>A (p.Ala18Thr)

Gene: RS1 (retinoschisin 1; minus strand). Cytogenetic location: Xp22.13.
Variant type: single nucleotide variant.
Coding change: c.52G>A on transcript NM_000330.4 (MANE Select); coding-DNA position 52, G replaced by A.
Protein change: p.Ala18Thr; replaces alanine 18 with threonine.
Molecular consequence: missense variant.
Genome position (GRCh38, 1-based): chrX:18,672,017, C>T on the plus strand (G>A on the coding strand, the complement: RS1 is on the minus strand). VCF-style: chrX-18672017-C-T. GRCh37 (hg19) VCF-style: chrX-18690137-C-T.
Other names: NM_000330.4:c.52G>A; short protein forms A18T.
Identifiers: ClinVar variation 4976896 (VCV004976896.1).